The following is an entry in ClinVar:

ClinVar aggregate classification (germline): Pathogenic (1 of 4 stars; one submission).

Submission:

Labcorp Genetics (formerly Invitae), Labcorp
Classification: Pathogenic. Last evaluated: 2023-01-16. Review status: criteria provided, single submitter. Criteria: Invitae Variant Classification Sherloc (09022015). Collection method: clinical testing. Allele origin: unknown.
Comment: For these reasons, this variant has been classified as Pathogenic. This variant has not been reported in the literature in individuals affected with NPHS1-related conditions. This variant is a gross deletion of the genomic region encompassing exon(s) 12-20 of the NPHS1 gene. This deletion is out-of-frame, and is expected to create a premature termination codon and result in an absent or disrupted protein product. Loss-of-function variants in NPHS1 are known to be pathogenic (PMID: 11317351, 11854170, 12039988).

Literature cited by the submitters: PubMed 11317351; PubMed 11854170; PubMed 12039988.

NC_000019.9:g.(?_36332597)_(36337116_?)del

Gene: NPHS1 (NPHS1 adhesion molecule, nephrin; minus strand). Cytogenetic location: 19q13.12.
Variant type: Deletion.
Identifiers: ClinVar variation 3242677 (VCV003242677.1).